The following is an entry in ClinVar:

NM_001393504.1(MAST3):c.3283_3300dup (p.Arg1100_Cys1101insArgGluThrGlnAspArg)

Gene: MAST3 (microtubule associated serine/threonine kinase 3; plus strand). Cytogenetic location: 19p13.11.
Variant type: Duplication.
Coding change: c.3283_3300dup on transcript NM_001393504.1 (MANE Select); coding-DNA positions 3283 to 3300, 18 bases duplicated (CGGGAGACCCAGGATCGG).
Protein change: p.Arg1100_Cys1101insArgGluThrGlnAspArg.
Molecular consequence: inframe insertion. On other transcripts: splice donor variant (10).
Genome position (GRCh38, 1-based): chr19:18,147,001-18,147,018, CGGGAGACCCAGGATCGG duplicated; duplicating any 18 consecutive bases within chr19:18,146,997-18,147,018 gives the same sequence; the c. name uses the placement nearest the transcript's 3' end. VCF-style (leftmost placement, unchanged base first): chr19-18146996-G-GTCGGCGGGAGACCCAGGA. GRCh37 (hg19) VCF-style: chr19-18257806-G-GTCGGCGGGAGACCCAGGA.
Other names: c.3307_3324dup, p.Arg1108_Cys1109insArgGluThrGlnAspArg (NM_001393501.1); c.3286_3303dup, p.Arg1101_Cys1102insArgGluThrGlnAspArg (NM_001393502.1); c.3283_3300dup, p.Arg1100_Cys1101insArgGluThrGlnAspArg (NM_001393503.1); c.3235_3252dup, p.Arg1084_Cys1085insArgGluThrGlnAspArg (NM_001393506.1); c.3217_3234dup, p.Arg1078_Cys1079insArgGluThrGlnAspArg (NM_001393508.1); c.3214_3231dup, p.Arg1077_Cys1078insArgGluThrGlnAspArg (NM_001393509.1, NM_001393510.1, NM_001393512.1); c.3211_3228dup, p.Arg1076_Cys1077insArgGluThrGlnAspArg (NM_001393511.1); c.3196_3213dup, p.Arg1071_Cys1072insArgGluThrGlnAspArg (NM_001393514.1); and 10 more.
Identifiers: ClinVar variation 3392648 (VCV003392648.1).

ClinVar aggregate classification (germline): Uncertain significance (1 of 4 stars; one submission).

Submission:

GeneDx
Classification: Uncertain significance. Last evaluated: 2024-06-25. Review status: criteria provided, single submitter. Criteria: GeneDx Variant Classification Process June 2021. Collection method: clinical testing. Allele origin: germline. Affected: yes.
Comment: Not observed at significant frequency in large population cohorts (gnomAD); Has not been previously published as pathogenic or benign to our knowledge; In silico analysis is inconclusive as to whether the variant alters gene splicing. In the absence of RNA/functional studies, the actual effect of this sequence change is unknown.